The following continues an entry in ClinVar:

NM_001165963.4(SCN1A):c.2837G>A (p.Arg946His)

Gene: SCN1A. ClinVar aggregate classification (germline): Pathogenic/Likely pathogenic. Pathogenic (11); Likely pathogenic (1).

Submissions 11 to 16 of 16:

Women's Health and Genetics/Laboratory Corporation of America, LabCorp
Classification: Pathogenic for Severe myoclonic epilepsy in infancy. Last evaluated: 2016-09-16. Review status: criteria provided, single submitter. Criteria: LabCorp Variant Classification Summary - May 2015. Collection method: clinical testing. Allele origin: germline.
Comment: Variant summary: The SCN1A c.2837G>A (p.Arg946His) variant involves the alteration of a conserved nucleotide and results in a replacement of a large size and basic Arginine (R) with a medium size and polar Histidine (H) located in the in the pore loop region of the SCN1A gene. 4/4 in silico tools predict a damaging outcome for this substitution (SNPs&GO not captured due to low reliability index). This variant is absent in 121408 control chromosomes while it was reported in several Dravet Syndrome patients, some of whom the variant arose de novo, strongly indicating causality. Moreover, independent functional studies reported the variant to result in absent measurable sodium currents, further supporting pathogenicity. In addition, mutations affecting the same codon have been described as pathogenic (c.2837G>A, p.R946P; c.2836C>A, p.R946S; c.2836C>T, p.R946C; HGMD, ClinVar) underscoring the functional/clinical importance of the R946 residue and indicating the variant to be located in a mutation hotspot. Furthermore, a clinical diagnostic laboratory classified this variant as pathogenic. Taken together, this variant is classified as pathogenic.

Athena Diagnostics
Classification: Pathogenic for Severe myoclonic epilepsy in infancy. Last evaluated: 2015-06-26. Review status: criteria provided, single submitter. Criteria: Athena Diagnostics Criteria. Collection method: clinical testing. Allele origin: germline. Inheritance: Autosomal dominant inheritance.

Channelopathy-Associated Epilepsy Research Center
No classification provided (evidence only). Condition: Severe myoclonic epilepsy in infancy. Review status: no classification provided. Collection method: literature only. Allele origin: not applicable. Functional consequence: Absence of peak current. Not counted in ClinVar's aggregate classification.
ClinVar note: "not provided" was previously submitted as the classification for the variant. However, the classification appeared to be based only on an observation of functional data so it was converted to no classification on 2025-07-30.

Genome Diagnostics Laboratory, University Medical Center Utrecht
Classification: Pathogenic. Review status: no assertion criteria provided. Collection method: clinical testing. Allele origin: germline. Affected: yes. Study: VKGL Data-share Consensus. Not counted in ClinVar's aggregate classification.

Joint Genome Diagnostic Labs from Nijmegen and Maastricht, Radboudumc and MUMC+
Classification: Pathogenic. Review status: no assertion criteria provided. Collection method: clinical testing. Allele origin: germline. Affected: yes. Study: VKGL Data-share Consensus. Not counted in ClinVar's aggregate classification.

UniProtKB/Swiss-Prot
No classification provided. Condition: Severe myoclonic epilepsy in infancy. Review status: no classification provided. Collection method: not provided. Allele origin: unknown. Not counted in ClinVar's aggregate classification.

Literature cited by the submitters: PubMed 14738421 (cited by Labcorp Genetics (formerly Invitae), Labcorp and Athena Diagnostics); PubMed 19589774 (cited by Labcorp Genetics (formerly Invitae), Labcorp and Women's Health and Genetics/Laboratory Corporation of America, LabCorp); PubMed 20550552 (cited by 4 submitters); PubMed 21371021 (cited by 3 submitters); PubMed 21864321 (cited by 4 submitters); PubMed 23195492 (cited by Labcorp Genetics (formerly Invitae), Labcorp and Ambry Genetics); PubMed 27781031 (cited by Labcorp Genetics (formerly Invitae), Labcorp and Ambry Genetics); PubMed 17347258 (cited by Ambry Genetics and Athena Diagnostics); PubMed 18930999 (cited by 3 submitters); PubMed 21248271 (cited by Ambry Genetics); PubMed 15277629 (cited by Athena Diagnostics); PubMed 15508916 (cited by Athena Diagnostics); PubMed 16713913 (cited by Athena Diagnostics); PubMed 16713920 (cited by Athena Diagnostics); PubMed 17166794 (cited by Athena Diagnostics).